The following is an entry in ClinVar:

NM_000051.4(ATM):c.6901del (p.Ala2301fs)

Genes: ATM (ATM serine/threonine kinase; plus strand), C11orf65 (chromosome 11 open reading frame 65; minus strand). Cytogenetic location: 11q22.3.
Variant type: Deletion.
Coding change: c.6901del on transcript NM_000051.4 (MANE Select); coding-DNA position 6901, one base deleted (G; older notation c.6901delG).
Protein change: p.Ala2301fs; shifts the reading frame from alanine 2301.
Molecular consequence: frameshift variant. On other transcripts: intron variant (2).
Genome position (GRCh38, 1-based): chr11:108,326,151, G deleted; the last of 3 consecutive G bases (chr11:108,326,149-108,326,151); deleting any one gives the same sequence. VCF-style (leftmost placement, unchanged base first): chr11-108326148-TG-T. GRCh37 (hg19) VCF-style: chr11-108196875-TG-T.
Other names: c.6901del, p.Ala2301fs (NM_001351834.2); c.641-17078del (NM_001330368.2); c.*38+9071del (NM_001351110.2); short protein forms A2301fs.
Identifiers: ClinVar variation 2820866 (VCV002820866.3), dbSNP rs2547217422, ClinGen allele CA2615859397.

ClinVar aggregate classification (germline): Pathogenic (1 of 4 stars; one submission).

Conditions:
Ataxia-telangiectasia syndrome (AT). Also called: LOUIS-BAR SYNDROME; Cerebello-oculocutaneous telangiectasia; Immunodeficiency with ataxia telangiectasia; Ataxia telangiectasia (A-T); Ataxia-telangiectasia, complementation group D; AT, COMPLEMENTATION GROUP C. Identifiers: Orphanet 100, MedGen C0004135, MONDO:0008840, OMIM 208900.

Submission:

Labcorp Genetics (formerly Invitae), Labcorp
Classification: Pathogenic for Ataxia-telangiectasia syndrome. Last evaluated: 2023-04-23. Review status: criteria provided, single submitter. Criteria: Invitae Variant Classification Sherloc (09022015). Collection method: clinical testing. Allele origin: germline.
Comment: For these reasons, this variant has been classified as Pathogenic. This variant has not been reported in the literature in individuals affected with ATM-related conditions. This variant is not present in population databases (gnomAD no frequency). This sequence change creates a premature translational stop signal (p.Ala2301Glnfs*9) in the ATM gene. It is expected to result in an absent or disrupted protein product. Loss-of-function variants in ATM are known to be pathogenic (PMID: 23807571, 25614872).

Literature cited by the submitters: PubMed 23807571; PubMed 25614872.